The following is an entry in ClinVar:

ClinVar aggregate classification (germline): Uncertain significance (1 of 4 stars; one submission).

Conditions:
POLD1-related polyposis and colorectal cancer syndrome (CRCS10). Also called: Colorectal cancer 10; Colorectal cancer, susceptibility to, 10; COLORECTAL CANCER, SUSCEPTIBILITY TO, ON CHROMOSOME 19q. Identifiers: Orphanet 220460, MedGen C2675481, MONDO:0012953, OMIM 612591.

Submission:

Labcorp Genetics (formerly Invitae), Labcorp
Classification: Uncertain significance for POLD1-related polyposis and colorectal cancer syndrome. Last evaluated: 2025-09-06. Review status: criteria provided, single submitter. Criteria: Invitae Variant Classification Sherloc (09022015). Collection method: clinical testing. Allele origin: germline.
Comment: This sequence change replaces methionine, which is neutral and non-polar, with isoleucine, which is neutral and non-polar, at codon 1081 of the POLD1 protein (p.Met1081Ile). This variant is not present in population databases (gnomAD no frequency). This variant has not been reported in the literature in individuals affected with POLD1-related conditions. ClinVar contains an entry for this variant (Variation ID: 2816091). Invitae Evidence Modeling of protein sequence and biophysical properties (such as structural, functional, and spatial information, amino acid conservation, physicochemical variation, residue mobility, and thermodynamic stability) indicates that this missense variant is not expected to disrupt POLD1 protein function with a negative predictive value of 80%. In summary, the available evidence is currently insufficient to determine the role of this variant in disease. Therefore, it has been classified as a Variant of Uncertain Significance.

NM_002691.4(POLD1):c.3243G>T (p.Met1081Ile)

Gene: POLD1 (DNA polymerase delta 1, catalytic subunit; plus strand). Cytogenetic location: 19q13.33.
Variant type: single nucleotide variant.
Coding change: c.3243G>T on transcript NM_002691.4 (MANE Select); coding-DNA position 3243, G replaced by T.
Protein change: p.Met1081Ile; replaces methionine 1081 with isoleucine.
Molecular consequence: missense variant. On other transcripts: non-coding transcript variant (1).
Genome position (GRCh38, 1-based): chr19:50,417,866, G>T. VCF-style: chr19-50417866-G-T. GRCh37 (hg19) VCF-style: chr19-50921123-G-T.
Other names: c.3243G>T, p.Met1081Ile (NM_001256849.1); c.3321G>T, p.Met1107Ile (NM_001308632.1); short protein forms M1107I, M1081I.
Identifiers: ClinVar variation 2816091 (VCV002816091.3), dbSNP rs772054340, ClinGen allele CA406987745.
Genomic context (GRCh38, chr19:50,417,866, plus strand): 5'-GGCTGGTCCTGACCCTGCCCCTGCCCCCACCCGCAGCCGGGACTGCCCCATCTTCTACAT[G>T]CGCAAGAAGGTGCGGAAGGACCTGGAAGACCAGGAGCAGCTCCTGCGGCGCTTCGGACCC-3'
Protein context (NP_002682.2, residues 1071-1091): CTSRDCPIFY[Met1081Ile]RKKVRKDLED